The following is an entry in ClinVar:

NM_000780.4(CYP7A1):c.840C>T (p.Leu280=)

Gene: CYP7A1 (cytochrome P450 family 7 subfamily A member 1; minus strand). Cytogenetic location: 8q12.1.
Variant type: single nucleotide variant.
Coding change: c.840C>T on transcript NM_000780.4 (MANE Select); coding-DNA position 840, C replaced by T.
Protein change: p.Leu280=; no amino-acid change (leucine 280 retained).
Molecular consequence: synonymous variant.
Genome position (GRCh38, 1-based): chr8:58,496,672, G>A on the plus strand (C>T on the coding strand, the complement: CYP7A1 is on the minus strand). VCF-style: chr8-58496672-G-A. GRCh37 (hg19) VCF-style: chr8-59409231-G-A.
Other names: c.840C>T (NM_000780.3).
Identifiers: ClinVar variation 1638297 (VCV001638297.9), dbSNP rs545609682, ClinGen allele CA4756728.
Genomic context (GRCh38, chr8:58,496,672, plus strand): 5'-TTGAAATAAACTCCAGAAAGTCGCTGGAATGGTGTTTGCTTGCGATGCCCAGAGGACCAC[G>A]AGGTGTGTCTTGGCCTTCTCCAGATCATCAAAGGTGGACAAAGTGTCATTGAGAAACATG-3'
Protein context (NP_000771.2, residues 270-290): FDDLEKAKTH[Leu280=]VVLWASQANT

ClinVar aggregate classification (germline): Likely benign. Review status: criteria provided, single submitter (1 of 4 stars). 2 submissions from 2 submitters: Likely benign (1). 1 of the submissions does not count toward it. Last evaluated 2021-08-25.

Conditions:
CYP7A1-related disorder. Also called: CYP7A1-related condition.

Allele frequency attached by ClinVar (database versions not stated): TOPMed 0.00002; gnomAD 0.00003; gnomAD exomes 0.00003 and 0.00004; ExAC 0.00006; 1000 Genomes Project 30x 0.00016; 1000 Genomes Project 0.00020.
gnomAD v4.1: 65 of 1,614,216 alleles (0.004%); highest among the groups gnomAD compares: Non-Finnish European, 0.0048%; no homozygotes.

Submissions (2):

Labcorp Genetics (formerly Invitae), Labcorp
Classification: Likely benign. Last evaluated: 2021-08-25. Review status: criteria provided, single submitter. Criteria: Invitae Variant Classification Sherloc (09022015). Collection method: clinical testing. Allele origin: germline.

PreventionGenetics, part of Exact Sciences
Classification: Likely benign for CYP7A1-related condition. Last evaluated: 2024-07-11. Review status: no assertion criteria provided. Collection method: clinical testing. Allele origin: germline. Not counted in ClinVar's aggregate classification.
Comment: This variant is classified as likely benign based on ACMG/AMP sequence variant interpretation guidelines (Richards et al. 2015 PMID: 25741868, with internal and published modifications).